The following is an entry in ClinVar:

ClinVar aggregate classification (germline): Uncertain significance (1 of 4 stars; one submission).

Conditions:
Epidermolysis bullosa simplex 3, localized or generalized intermediate, with BP230 deficiency (EBS3). Also called: Epidermolysis bullosa simplex, autosomal recessive 2; Epidermolysis bullosa simplex due to BP230 deficiency. Identifiers: Orphanet 412181, MedGen C3809470, MONDO:0014180, OMIM 615425.
Hereditary sensory and autonomic neuropathy type 6. Also called: HSAN VI; Neuropathy, hereditary sensory and autonomic, type VI. Identifiers: Orphanet 314381, MedGen C3539003, MONDO:0013839, OMIM 614653.

Submission:

Labcorp Genetics (formerly Invitae), Labcorp
Classification: Uncertain significance for Epidermolysis bullosa simplex 3, localized or generalized intermediate, with BP230 deficiency; Hereditary sensory and autonomic neuropathy type 6. Last evaluated: 2025-07-01. Review status: criteria provided, single submitter. Criteria: Invitae Variant Classification Sherloc (09022015). Collection method: clinical testing. Allele origin: germline.
Comment: The DST gene has multiple clinically relevant transcripts. This variant occurs in alternate transcript NM_015548.4, and corresponds to NM_001723.5:c.*46910T>A in the primary transcript. This sequence change falls in intron 35 of the DST gene. It does not directly change the encoded amino acid sequence of the DST protein. This variant is not present in population databases (gnomAD no frequency). This variant has not been reported in the literature in individuals affected with DST-related conditions. Experimental studies and prediction algorithms are not available or were not evaluated, and the effect of this variant on mRNA splicing is currently unknown. In summary, the available evidence is currently insufficient to determine the role of this variant in disease. Therefore, it has been classified as a Variant of Uncertain Significance.

NM_001374736.1(DST):c.13879-12T>A

Gene: DST (dystonin; minus strand). Cytogenetic location: 6p12.1.
Variant type: single nucleotide variant.
Coding change: c.13879-12T>A on transcript NM_001374736.1 (MANE Select); 12 bases into the intron before coding-DNA position 13879, T replaced by A.
Molecular consequence: intron variant.
Genome position (GRCh38, 1-based): chr6:56,568,607, A>T on the plus strand (T>A on the coding strand, the complement: DST is on the minus strand). VCF-style: chr6-56568607-A-T. GRCh37 (hg19) VCF-style: chr6-56433405-A-T.
Other names: c.7522-12T>A (NM_001144769.5); c.13879-12T>A (NM_001374722.1); c.13906-12T>A (NM_001374734.1); c.7108-12T>A (NM_001144770.2); c.6988-12T>A (NM_001374730.1, NM_001386100.1, NM_183380.4); c.13246-12T>A (NM_001374729.1); c.6010-12T>A (NM_015548.5).
Identifiers: ClinVar variation 4785375 (VCV004785375.1).